The following is an entry in ClinVar:

ClinVar aggregate classification (germline): Pathogenic (3 of 4 stars; one submission).

Conditions:
Breast-ovarian cancer, familial, susceptibility to, 2 (BROVCA2). Also called: BRCA2 Hereditary Breast and Ovarian Cancer. Identifiers: Orphanet 145, MedGen C2675520, MONDO:0012933, OMIM 612555. Disease mechanism: loss of function.

Submission:

Evidence-based Network for the Interpretation of Germline Mutant Alleles (ENIGMA)
Classification: Pathogenic for Breast-ovarian cancer, familial, susceptibility to, 2. Last evaluated: 2017-12-15. Review status: reviewed by expert panel. Criteria: ENIGMA BRCA1/2 Classification Criteria (2017-06-29). Collection method: curation. Allele origin: germline. Study: ENIGMA.
Comment: Variant allele predicted to encode a truncated non-functional protein.

NM_000059.4(BRCA2):c.8641_8642insTT (p.Thr2881fs)

Gene: BRCA2 (BRCA2 DNA repair associated; plus strand). Cytogenetic location: 13q13.1.
Variant type: Insertion.
Coding change: c.8641_8642insTT on transcript NM_000059.4 (MANE Select); coding-DNA positions 8641 to 8642, TT inserted.
Protein change: p.Thr2881fs; shifts the reading frame from threonine 2881.
Molecular consequence: frameshift variant.
Genome position: GRCh38 VCF-style: chr13-32376678-A-ATT. GRCh37 (hg19) VCF-style: chr13-32950815-A-ATT.
Other names: short protein forms T2881fs.
Identifiers: ClinVar variation 548427 (VCV000548427.1), dbSNP rs1555288125, ClinGen allele CA658823606.